The following is an entry in ClinVar:

NM_000492.4(CFTR):c.125C>T (p.Ser42Phe)

Gene: CFTR (CF transmembrane conductance regulator; plus strand). Cytogenetic location: 7q31.2.
Variant type: single nucleotide variant.
Coding change: c.125C>T on transcript NM_000492.4 (MANE Select); coding-DNA position 125, C replaced by T.
Protein change: p.Ser42Phe; replaces serine 42 with phenylalanine.
Molecular consequence: missense variant.
Genome position (GRCh38, 1-based): chr7:117,504,324, C>T. VCF-style: chr7-117504324-C-T. GRCh37 (hg19) VCF-style: chr7-117144378-C-T.
Other names: short protein forms S42F.
Identifiers: ClinVar variation 35819 (VCV000035819.48), dbSNP rs143456784, ClinGen allele CA325688.

ClinVar aggregate classification (germline): Conflicting classifications of pathogenicity. Review status: criteria provided, conflicting classifications (1 of 4 stars). 18 submissions from 18 submitters: Uncertain significance (15); Likely benign (1). 2 of the submissions do not count toward it. Last evaluated 2026-03-27.

Conditions:
CFTR-related disorder (CFTR-RD). Also called: CFTR-related disorders; CFTR-related condition. Identifiers: MedGen C5924204, MONDO:7770004.
Congenital bilateral aplasia of vas deferens from CFTR mutation (CBAVD). Identifiers: Orphanet 48, MedGen C0403814, MONDO:0010178, OMIM 277180. Disease mechanism: loss of function.
Cystic fibrosis (CF). Also called: MUCOVISCIDOSIS. Identifiers: Orphanet 586, MedGen C0010674, MONDO:0009061, OMIM 219700. Disease mechanism: loss of function.
Bronchiectasis with or without elevated sweat chloride 1 (BESC1). Also called: Cystic Fibrosis-Like Syndrome. Identifiers: Orphanet 60033, MedGen C2749757, MONDO:0008887, OMIM 211400.
Hereditary pancreatitis (PCTT). Also called: Hereditary chronic pancreatitis; PRSS1-Related Hereditary Pancreatitis. Identifiers: Orphanet 676, MedGen C0238339, MONDO:0008185, OMIM 167800.

Allele frequency attached by ClinVar (database versions not stated): gnomAD 0.00008; TOPMed 0.00009; gnomAD exomes 0.00012 and 0.00014; ESP Exome Variant Server 0.00015; ExAC 0.00016.

Submissions 1 to 7 of 18:

Women's Health and Genetics/Laboratory Corporation of America, LabCorp
Classification: Uncertain significance. Last evaluated: 2026-03-27. Review status: criteria provided, single submitter. Criteria: LabCorp Variant Classification Summary - May 2015. Collection method: clinical testing. Allele origin: germline.
Comment: Variant summary: CFTR c.125C>T (p.Ser42Phe) results in a non-conservative amino acid change in the encoded protein sequence. Algorithms developed to predict the effect of missense changes on protein structure and function all suggest that this variant is likely to be disruptive. The variant allele was found at a frequency of 0.00011 in 279934 control chromosomes in the gnomAD database, including 1 homozygote. This frequency is not significantly higher than estimated for disease-causing variants in CFTR, allowing no conclusion about variant significance. c.125C>T has been reported in the literature in the heterozygous, compound heterozygous, and presumed compound heterozygous states in multiple individuals affected with infertility (example, Oud_2017, Chamayou_2020, Smits_2019), CBAVD (example, Claustres_2017), autoimmune pancreatitis (example, Chang_2015), pancreatic adenocarcinoma (example, McWilliams_2010), elevated immunoreactive trypsinogen (IRT, example Castellani_2017) and (suspected) Cystic Fibrosis (example Ferec_1995, DApice_2004, Picci_2010, Guissart_2015, Padoan_2006, Lucarelli_2015, Soltysova_2015). However, in most of these cases a non-informative genotype (no pathogenic variant in trans) was reported; these data therefore do not allow clear conclusions about variant significance. In addition, in at least 2 of these reported cases a co-occurrence with other pathogenic variants in cis have been reported (CFTR c.223C>T (p.Arg75X) in Krenkova_2013, and CFTR 5T_TG12 in Padoan_2006 and/or Colombo_2007), providing supporting evidence for a benign role. At least one publication reports experimental evidence evaluating an impact on protein function. The most pronounced variant effect resulted in approximately 81% of normal chloride channel conductance relative to wild type (e.g., Bihler_2024). The following publications have been ascertained in the context of this evaluation (PMID: 38388235, 12007216, 26755536, 32357917, 25869325, 28603918, 24813944, 17407489, 15084222, 7541510, 25274949, 23276700, 25910067, 19885835, 15536480, 16126774, 28801929, 16801189, 19897426, 16251901, 25735457, 31672438, 28544683, 25087612, 37628659, 39532587). ClinVar contains an entry for this variant (Variation ID: 35819). Based on the evidence outlined above, the variant was classified as uncertain significance.

CeGaT Center for Human Genetics Tuebingen
Classification: Uncertain significance. Last evaluated: 2026-01-01. Review status: criteria provided, single submitter. Criteria: CeGaT Center For Human Genetics Tuebingen Variant Classification Criteria Version 2. Collection method: clinical testing. Allele origin: germline. Affected: yes. Observed: 2 variant alleles.
Comment: CFTR: PM3, PM2:Supporting

ARUP Laboratories, Molecular Genetics and Genomics, ARUP Laboratories
Classification: Uncertain significance. Last evaluated: 2025-07-31. Review status: criteria provided, single submitter. Criteria: ARUP Molecular Germline Variant Investigation Process 2024. Collection method: clinical testing. Allele origin: germline.
Comment: The CFTR c.125C>T; p.Ser42Phe variant (rs143456784, ClinVar Variation ID 35819) is reported in the literature in multiple individuals affected with autoimmune pancreatitis, cystic fibrosis, or pancreatic cancer (Chang 2015, D'Apice 2004, Ferec 1995, Lucarelli 2015, Soltysova 2018, McWilliams 2010). However, in most of these individuals a second pathogenic variant was not identified and limited clinical information was provided. This variant has also been identified in cis with other pathogenic CFTR variants (Krenkova 2013, Padoan 2006), and in healthy individuals (De Paolis 2023), one of whom carried a second CFTR variant in trans (Picci 2010). This variant is found in the non-Finnish European population with an allele frequency of 0.025% (28/113282 alleles, including 1 homozygote) in the Genome Aggregation Database (v2.1.1). Computational analyses predict that this variant is deleterious (REVEL: 0.714). Due to conflicting information, the clinical significance of this variant is uncertain at this time. References: Chang MC et al. Cystic fibrosis transmembrane conductance regulator gene variants are associated with autoimmune pancreatitis and slow response to steroid treatment. J Cyst Fibros. 2015 Sep;14(5):661-7. PMID: 25869325. D'Apice MR et al. Molecular analysis using DHPLC of cystic fibrosis: increase of the mutation detection rate among the affected population in Central Italy. BMC Med Genet. 2004 Apr 14;5:8. PMID: 15084222. De Paolis et al. Next-Generation Sequencing for Screening Analysis of Cystic Fibrosis: Spectrum and Novel Variants in a South-Central Italian Cohort. Genes (Basel). 2023 Aug 11;14(8):1608. PMID: 37628659. Ferec C et al. Identification of six novel CFTR mutations in a sample of Italian cystic fibrosis patients. Mol Cell Probes. 1995 Apr;9(2):135-7. PMID: 7541510. Krenkova P et al. Distribution of CFTR mutations in the Czech population: positive impact of integrated clinical and laboratory expertise, detection of novel/de novo alleles and relevance for related/derived populations. J Cyst Fibros. 2013 Sep;12(5):532-7. PMID: 23276700. Lucarelli M et al. A Genotypic-Oriented View of CFTR Genetics Highlights Specific Mutational Patterns Underlying Clinical Macrocategories of Cystic Fibrosis. Mol Med. 2015 Apr 21;21(1):257-75. PMID: 25910067. McWilliams et al. Cystic fibrosis transmembrane conductance regulator (CFTR) gene mutations and risk for pancreatic adenocarcinoma. Cancer. 2010 Jan 1;116(1):203-9. PMID: 19885835. Padoan R et al. Identification of the 5T-12TG allele of the cystic fibrosis transmembrane conductance regulator gene in hypertrypsinaemic newborns. Acta Paediatr. 2006 Jul;95(7):871-3. PMID: 16801189. Picci L et al. A 10-year large-scale cystic fibrosis carrier screening in the Italian population. J Cyst Fibros. 2010 Jan;9(1):29-35. PMID: 19897426. Soltysova A et al. Comprehensive genetic study of cystic fibrosis in Slovak patients in 25 years of genetic diagnostics. Clin Respir J. 2018 Mar;12(3):1197-1206. PMID: 28544683.

Labcorp Genetics (formerly Invitae), Labcorp
Classification: Uncertain significance for Cystic fibrosis. Last evaluated: 2025-01-24. Review status: criteria provided, single submitter. Criteria: Invitae Variant Classification Sherloc (09022015). Collection method: clinical testing. Allele origin: germline.
Comment: This sequence change replaces serine, which is neutral and polar, with phenylalanine, which is neutral and non-polar, at codon 42 of the CFTR protein (p.Ser42Phe). This variant is present in population databases (rs143456784, gnomAD 0.03%), including at least one homozygous and/or hemizygous individual. This missense change has been observed in individual(s) with autoimmune pancreatitis, cystic fibrosis, and/or or pancreatic cancer (PMID: 15084222, 19885835, 23276700, 25869325). ClinVar contains an entry for this variant (Variation ID: 35819). Invitae Evidence Modeling of protein sequence and biophysical properties (such as structural, functional, and spatial information, amino acid conservation, physicochemical variation, residue mobility, and thermodynamic stability) has been performed for this missense variant. However, the output from this modeling did not meet the statistical confidence thresholds required to predict the impact of this variant on CFTR protein function. In summary, the available evidence is currently insufficient to determine the role of this variant in disease. Therefore, it has been classified as a Variant of Uncertain Significance.

Ambry Genetics
Classification: Uncertain significance for Cystic fibrosis. Last evaluated: 2024-11-27. Review status: criteria provided, single submitter. Criteria: Ambry Variant Classification Scheme 2023. Collection method: clinical testing. Allele origin: germline.
Comment: The p.S42F variant (also known as c.125C>T), located in coding exon 2 of the CFTR gene, results from a C to T substitution at nucleotide position 125. The serine at codon 42 is replaced by phenylalanine, an amino acid with highly dissimilar properties. This alteration was first reported in an individual diagnosed with cystic fibrosis; however, clinical information and a second alteration were not described (F&eacute;rec C et al. Mol. Cell. Probes, 1995 Apr;9:135-7). This variant was also identified in a healthy individual undergoing carrier screening in conjunction with a second CFTR alteration (Picci L et al. J. Cyst. Fibros., 2010 Jan;9:29-35). In addition, this variant was detected in four individuals with autoimmune pancreatitis; however, PRSS1 and SPINK1 genotyping results were not provided (Chang MC et al. J. Cyst. Fibros., 2015 Sep;14:661-7). This amino acid position is well conserved in available vertebrate species. In addition, this alteration is predicted to be deleterious by in silico analysis. Based on the available evidence, the clinical significance of this variant remains unclear.

Blueprint Genetics
Classification: Uncertain significance. Last evaluated: 2024-04-05. Review status: criteria provided, single submitter. Criteria: ACMG Guidelines, 2015. Collection method: clinical testing. Allele origin: germline.

Johns Hopkins Genomics, Johns Hopkins University
Classification: Likely benign for Cystic fibrosis. Last evaluated: 2024-02-05. Review status: criteria provided, single submitter. Criteria: ACMG Guidelines, 2015. Collection method: clinical testing. Allele origin: germline.
Comment: PM2, BS3_supporting, BP6